The following is an entry in ClinVar:

NM_007294.4(BRCA1):c.81-1947A>G

Gene: BRCA1 (BRCA1 DNA repair associated; minus strand). Cytogenetic location: 17q21.31.
Variant type: single nucleotide variant.
Coding change: c.81-1947A>G on transcript NM_007294.4 (MANE Select); 1947 bases into the intron before coding-DNA position 81, A replaced by G.
Molecular consequence: intron variant.
Genome position (GRCh38, 1-based): chr17:43,117,726, T>C on the plus strand (A>G on the coding strand, the complement: BRCA1 is on the minus strand). VCF-style: chr17-43117726-T-C. GRCh37 (hg19) VCF-style: chr17-41269743-T-C.
Other names: c.-61-1947A>G (NM_001408458.1, NM_001408470.1, NM_001407848.1 and 44 more transcripts); c.-219+7551A>G (NM_001407967.1); c.-170+7551A>G (NM_001407959.1); c.-8+7551A>G (NM_001407931.1, NM_001407747.1); c.-223-1947A>G (NM_001407962.1, NM_001408512.1, NM_001408510.1 and 1 more transcripts); c.-108-1947A>G (NM_001407885.1, NM_001407886.1, NM_001408509.1 and 51 more transcripts); c.-177-1947A>G (NM_001407746.1, NM_001408468.1, NM_001407842.1 and 12 more transcripts); c.-8+6291A>G (NM_001408461.1, NM_001407738.1, NM_001407932.1 and 23 more transcripts); and 14 more.
Identifiers: ClinVar variation 264839 (VCV000264839.2), dbSNP rs190387252, ClinGen allele CA10588259.
Genomic context (GRCh38, chr17:43,117,726, plus strand): 5'-GAAGTGCACGTTGCAGTGAGCCAAGATCGCGCCACTGTACTCCAACCTGGGCGACAGAGC[T>C]GGACTCCATCTCAAAATAATAATAAGCTTAAAAATAAAAACTTCAGAAAATACATCACCC-3'

ClinVar aggregate classification (germline): Benign (3 of 4 stars; one submission).

Conditions:
Breast-ovarian cancer, familial, susceptibility to, 1 (BROVCA1). Also called: BRCA1 Hereditary Breast and Ovarian Cancer; OVARIAN CANCER, SUSCEPTIBILITY TO. Identifiers: Orphanet 145, MedGen C2676676, MONDO:0011450, OMIM 604370. Disease mechanism: loss of function.

Allele frequency attached by ClinVar (database versions not stated): gnomAD 0.00189 and 0.00200; TOPMed 0.00198; 1000 Genomes Project 30x 0.00265; 1000 Genomes Project 0.00280.
gnomAD v4.1: 285 of 152,170 alleles (0.19%); highest among the groups gnomAD compares: African/African-American, 0.66%; no homozygotes.

Submission:

Evidence-based Network for the Interpretation of Germline Mutant Alleles (ENIGMA)
Classification: Benign for Breast-ovarian cancer, familial, susceptibility to, 1. Last evaluated: 2016-09-28. Review status: reviewed by expert panel. Criteria: ENIGMA BRCA1/2 Classification Criteria (2015). Collection method: curation. Allele origin: germline.
Comment: Class 1 not pathogenic based on frequency >1% in an outbred sampleset. Frequency 0.0106 (African), derived from 1000 genomes (2013-05-02).